The following is an entry in ClinVar:

NM_015139.3(SLC35D1):c.398C>T (p.Pro133Leu)

Gene: SLC35D1 (solute carrier family 35 member D1; minus strand). Cytogenetic location: 1p31.3.
Variant type: single nucleotide variant.
Coding change: c.398C>T on transcript NM_015139.3 (MANE Select); coding-DNA position 398, C replaced by T.
Protein change: p.Pro133Leu; replaces proline 133 with leucine.
Molecular consequence: missense variant.
Genome position (GRCh38, 1-based): chr1:67,050,499, G>A on the plus strand (C>T on the coding strand, the complement: SLC35D1 is on the minus strand). VCF-style: chr1-67050499-G-A. GRCh37 (hg19) VCF-style: chr1-67516182-G-A.
Other names: short protein forms P133L.
Identifiers: ClinVar variation 618369 (VCV000618369.13), dbSNP rs1558168052, ClinGen allele CA340706867.

ClinVar aggregate classification (germline): Conflicting classifications of pathogenicity. Review status: criteria provided, conflicting classifications (1 of 4 stars). 2 submissions from 2 submitters: Likely pathogenic (1); Uncertain significance (1). Last evaluated 2026-01-07.

Submissions (2):

GeneDx
Classification: Likely pathogenic. Last evaluated: 2026-01-07. Review status: criteria provided, single submitter. Criteria: GeneDx Variant Classification Process June 2021. Collection method: clinical testing. Allele origin: germline. Affected: yes.
Comment: Published functional studies demonstrate a damaging effect through reduced UDP-sugar-transporter activity (PMID: 31423530); In silico analysis supports that this missense variant has a deleterious effect on protein structure/function; Not observed at significant frequency in large population cohorts (gnomAD); This variant is associated with the following publications: (PMID: 35869530, 31423530, 38058750)

ARUP Laboratories, Molecular Genetics and Genomics, ARUP Laboratories
Classification: Uncertain significance. Last evaluated: 2017-08-30. Review status: criteria provided, single submitter. Criteria: ARUP Molecular Germline Variant Investigation Process. Collection method: clinical testing. Allele origin: germline.